The following is an entry in ClinVar:

NM_022356.4(P3H1):c.377del (p.Pro126fs)

Gene: P3H1 (prolyl 3-hydroxylase 1; minus strand). Cytogenetic location: 1p34.2.
Variant type: Deletion.
Coding change: c.377del on transcript NM_022356.4 (MANE Select); coding-DNA position 377, one base deleted (C; older notation c.377delC).
Protein change: p.Pro126fs; shifts the reading frame from proline 126.
Molecular consequence: frameshift variant.
Genome position (GRCh38, 1-based): chr1:42,766,595, G deleted on the plus strand (C on the coding strand, the reverse complement: P3H1 is on the minus strand); the first of 2 consecutive G bases (chr1:42,766,595-42,766,596); deleting either gives the same sequence. VCF-style (leftmost placement, unchanged base first): chr1-42766594-CG-C. GRCh37 (hg19) VCF-style: chr1-43232265-CG-C.
Other names: c.377del, p.Pro126fs (NM_001146289.2, NM_001243246.2); short protein forms P126fs.
Identifiers: ClinVar variation 1457668 (VCV001457668.6), dbSNP rs2124174456, ClinGen allele CA2573132280.
Genomic context (GRCh38, chr1:42,766,594, plus strand): 5'-GTAGGGGCTCCGCTTGCGGAACTCCAGCTCCATCTCTTCGCTGAGCGAGTGGGCGGCCGG[CG>C]GCCCGAGGCAGCGGCGCAGGCAGGCAGCGCGACGCAGAAGGCCCCCGAAGAAGCTCAGGT-3'

ClinVar aggregate classification (germline): Pathogenic (1 of 4 stars; one submission).

Conditions:
Osteogenesis imperfecta type 8 (OI8). Identifiers: MedGen C1970458, MONDO:0012581, OMIM 610915.

Submission:

Labcorp Genetics (formerly Invitae), Labcorp
Classification: Pathogenic for Osteogenesis imperfecta type 8. Last evaluated: 2021-07-28. Review status: criteria provided, single submitter. Criteria: Invitae Variant Classification Sherloc (09022015). Collection method: clinical testing. Allele origin: germline.
Comment: This sequence change creates a premature translational stop signal (p.Pro126Argfs*58) in the P3H1 gene. It is expected to result in an absent or disrupted protein product. Loss-of-function variants in P3H1 are known to be pathogenic (PMID: 17277775, 18566967, 19088120, 22281939). This variant is not present in population databases (ExAC no frequency). This variant has not been reported in the literature in individuals affected with P3H1-related conditions. For these reasons, this variant has been classified as Pathogenic.

Literature cited by the submitters: PubMed 17277775; PubMed 18566967; PubMed 19088120; PubMed 22281939.